The following is an entry in ClinVar:

ClinVar aggregate classification (germline): Uncertain significance. Review status: criteria provided, multiple submitters, no conflicts (2 of 4 stars). 3 submissions from 3 submitters: Uncertain significance (2). 1 of the submissions does not count toward it. Last evaluated 2026-01-25.

Conditions:
Cardiomyopathy (CMYO). Also called: Cardiomyopathies. Identifiers: Orphanet 167848, MedGen C0878544, MONDO:0004994, HP:0001638. Inheritance: Various modes of inheritance.
Duchenne muscular dystrophy (DMD). Also called: MUSCULAR DYSTROPHY, PSEUDOHYPERTROPHIC PROGRESSIVE, DUCHENNE TYPE; Duchenne Muscular Dystrophy (DMD). Identifiers: Orphanet 98896, MedGen C0013264, MONDO:0010679, OMIM 310200.
Becker muscular dystrophy (BMD). Also called: MUSCULAR DYSTROPHY, PSEUDOHYPERTROPHIC PROGRESSIVE, BECKER TYPE; Becker Muscular Dystrophy (BMD). Identifiers: Orphanet 98895, MedGen C0917713, MONDO:0010311, OMIM 300376.
Dystrophin deficiency.
Cardiovascular phenotype. Identifiers: MedGen CN230736.

Allele frequency attached by ClinVar (database versions not stated): gnomAD exomes below 0.00001 and 0.00001; ExAC 0.00001; gnomAD 0.00001; TOPMed 0.00002.
gnomAD v4.1: 4 of 1,210,114 alleles (0.00033%); highest among the groups gnomAD compares: Admixed American, 0.0044%; no homozygotes.

Submissions (3):

Labcorp Genetics (formerly Invitae), Labcorp
Classification: Uncertain significance for Duchenne muscular dystrophy. Last evaluated: 2026-01-25. Review status: criteria provided, single submitter. Criteria: Invitae Variant Classification Sherloc (09022015). Collection method: clinical testing. Allele origin: germline.
Comment: This sequence change replaces aspartic acid, which is acidic and polar, with tyrosine, which is neutral and polar, at codon 609 of the DMD protein (p.Asp609Tyr). This variant is present in population databases (rs761724460, gnomAD 0.004%). This variant has not been reported in the literature in individuals affected with DMD-related conditions. ClinVar contains an entry for this variant (Variation ID: 642065). Invitae Evidence Modeling of protein sequence and biophysical properties (such as structural, functional, and spatial information, amino acid conservation, physicochemical variation, residue mobility, and thermodynamic stability) indicates that this missense variant is not expected to disrupt DMD protein function with a negative predictive value of 95%. In summary, the available evidence is currently insufficient to determine the role of this variant in disease. Therefore, it has been classified as a Variant of Uncertain Significance.

Ambry Genetics
Classification: Uncertain significance for Cardiovascular phenotype. Last evaluated: 2023-12-13. Review status: criteria provided, single submitter. Criteria: Ambry Variant Classification Scheme 2023. Collection method: clinical testing. Allele origin: germline.
Comment: The p.D609Y variant (also known as c.1825G>T), located in coding exon 16 of the DMD gene, results from a G to T substitution at nucleotide position 1825. The aspartic acid at codon 609 is replaced by tyrosine, an amino acid with highly dissimilar properties. This amino acid position is well conserved in available vertebrate species. In addition, the in silico prediction for this alteration is inconclusive. Based on data from gnomAD, the T allele has an overall frequency of <0.01% (1/181227) total alleles studied, with 0 hemizygote(s) observed. The highest observed frequency was <0.01% (1/27273) of Latino alleles. Since supporting evidence is limited at this time, the clinical significance of this alteration remains unclear.

Natera, Inc.
Classification: Uncertain significance for Becker muscular dystrophy; Cardiomyopathy; Duchenne muscular dystrophy; Dystrophin deficiency. Last evaluated: 2019-02-12. Review status: no assertion criteria provided. Collection method: clinical testing. Allele origin: germline. Not counted in ClinVar's aggregate classification.

NM_004006.3(DMD):c.1825G>T (p.Asp609Tyr)

Gene: DMD (dystrophin; minus strand). Cytogenetic location: Xp21.1.
Variant type: single nucleotide variant.
Coding change: c.1825G>T on transcript NM_004006.3 (MANE Select); coding-DNA position 1825, G replaced by T.
Protein change: p.Asp609Tyr; replaces aspartic acid 609 with tyrosine.
Molecular consequence: missense variant.
Genome position (GRCh38, 1-based): chrX:32,565,869, C>A on the plus strand (G>T on the coding strand, the complement: DMD is on the minus strand). VCF-style: chrX-32565869-C-A. GRCh37 (hg19) VCF-style: chrX-32583986-C-A.
Other names: c.1801G>T, p.Asp601Tyr (NM_000109.4); c.1813G>T, p.Asp605Tyr (NM_004009.3); c.1456G>T, p.Asp486Tyr (NM_004010.3); short protein forms D486Y, D601Y, D605Y, D609Y.
Identifiers: ClinVar variation 642065 (VCV000642065.7), dbSNP rs761724460, ClinGen allele CA10379704.